The following is an entry in ClinVar:

ClinVar aggregate classification (germline): Uncertain significance. Review status: criteria provided, multiple submitters, no conflicts (2 of 4 stars). 2 submissions from 2 submitters: Uncertain significance (2). Last evaluated 2022-04-06.

Conditions:
Familial thoracic aortic aneurysm and aortic dissection (TAAD). Also called: Thoracic aortic aneurysms and dissections. Identifiers: Orphanet 91387, MedGen C4707243, MONDO:0019625.

Submissions (2):

Mayo Clinic Laboratories, Mayo Clinic
Classification: Uncertain significance. Last evaluated: 2022-04-06. Review status: criteria provided, single submitter. Criteria: ACMG Guidelines, 2015. Collection method: clinical testing. Allele origin: germline. Observed: 1 variant allele.
Comment: PM2

Ambry Genetics
Classification: Uncertain significance for Familial thoracic aortic aneurysm and aortic dissection. Last evaluated: 2021-09-07. Review status: criteria provided, single submitter. Criteria: Ambry Variant Classification Scheme 2023. Collection method: clinical testing. Allele origin: germline.
Comment: The p.A421T variant (also known as c.1261G>A), located in coding exon 12 of the PLOD1 gene, results from a G to A substitution at nucleotide position 1261. The alanine at codon 421 is replaced by threonine, an amino acid with similar properties. This amino acid position is conserved. In addition, the in silico prediction for this alteration is inconclusive. Since supporting evidence is limited at this time, the clinical significance of this alteration remains unclear.

NM_000302.4(PLOD1):c.1261G>A (p.Ala421Thr)

Gene: PLOD1 (procollagen-lysine,2-oxoglutarate 5-dioxygenase 1; plus strand). Cytogenetic location: 1p36.22.
Variant type: single nucleotide variant.
Coding change: c.1261G>A on transcript NM_000302.4 (MANE Select); coding-DNA position 1261, G replaced by A.
Protein change: p.Ala421Thr; replaces alanine 421 with threonine.
Molecular consequence: missense variant.
Genome position (GRCh38, 1-based): chr1:11,964,233, G>A. VCF-style: chr1-11964233-G-A. GRCh37 (hg19) VCF-style: chr1-12024290-G-A.
Other names: p.Ala421Thr; c.1402G>A, p.Ala468Thr (NM_001316320.2); short protein forms A468T, A421T.
Identifiers: ClinVar variation 1763325 (VCV001763325.3), dbSNP rs768987788, ClinGen allele CA338441318.